The following is an entry in ClinVar:

ClinVar aggregate classification (germline): Likely benign (1 of 4 stars; one submission).

Allele frequency attached by ClinVar (database versions not stated): 1000 Genomes Project 30x 0.00500; 1000 Genomes Project 0.00539; TOPMed 0.00849; gnomAD 0.00946 and 0.00955.
gnomAD v4.1: 1,452 of 152,250 alleles (0.95%); highest among the groups gnomAD compares: South Asian, 1.5%; 18 homozygotes.

Submission:

GeneDx
Classification: Likely benign. Last evaluated: 2018-06-16. Review status: criteria provided, single submitter. Criteria: GeneDx Variant Classification (06012015). Collection method: clinical testing. Allele origin: germline. Affected: yes.
Comment: This variant is considered likely benign or benign based on one or more of the following criteria: it is a conservative change, it occurs at a poorly conserved position in the protein, it is predicted to be benign by multiple in silico algorithms, and/or has population frequency not consistent with disease.

NM_002633.3(PGM1):c.556+216C>T

Gene: PGM1 (phosphoglucomutase 1; plus strand). Cytogenetic location: 1p31.3.
Variant type: single nucleotide variant.
Coding change: c.556+216C>T on transcript NM_002633.3 (MANE Select); 216 bases into the intron after coding-DNA position 556, C replaced by T.
Molecular consequence: intron variant.
Genome position (GRCh38, 1-based): chr1:63,630,304, C>T. VCF-style: chr1-63630304-C-T. GRCh37 (hg19) VCF-style: chr1-64095975-C-T.
Other names: c.-36+216C>T (NM_001172819.2); c.610+216C>T (NM_001172818.1).
Identifiers: ClinVar variation 670825 (VCV000670825.1), dbSNP rs79011721, ClinGen allele CA23832974.